The following continues an entry in ClinVar:

NM_024675.4(PALB2):c.3362del (p.Gly1121fs)

Gene: PALB2. ClinVar aggregate classification (germline): Likely pathogenic. Likely pathogenic (1).

Submissions 9 to 23 of 24:

Color Diagnostics, LLC DBA Color Health
Classification: Pathogenic for Hereditary cancer-predisposing syndrome. Last evaluated: 2024-11-18. Review status: criteria provided, single submitter. Criteria: ACMG Guidelines, 2015. Collection method: clinical testing. Allele origin: germline. Not counted in ClinVar's aggregate classification.
Comment: This variant deletes 1 nucleotide in exon 13 of the PALB2 gene. This variant is predicted to truncate the functionally important WD40 repeats domain (residue 854-1186) with a frameshift at codon 1121 and a termination codon at 1123. This variant has been reported in at least eight individuals affected with breast, ovarian and pancreatic cancer (PMID: 23935836, 24136930, 24549055, 25452441, 29431189, Color internal data). This variant has been identified in 1/251320 chromosomes in the general population by the Genome Aggregation Database (gnomAD). Loss of PALB2 function is a known mechanism of disease. Based on the available evidence, this variant is classified as Pathogenic.

Women's Health and Genetics/Laboratory Corporation of America, LabCorp
Classification: Pathogenic for Hereditary breast ovarian cancer syndrome. Last evaluated: 2024-10-31. Review status: criteria provided, single submitter. Criteria: LabCorp Variant Classification Summary - May 2015. Collection method: clinical testing. Allele origin: germline. Not counted in ClinVar's aggregate classification.
Comment: Variant summary: PALB2 c.3362delG (p.Gly1121ValfsX3) results in a premature termination codon, predicted to cause a truncation of the encoded protein, however, nonsense mediated decay is not expected to occur. The variant disrupts the Partner and localiser of BRCA2, WD40 domain which is involved in BRCA2 binding. A truncation downstream of this position has been classified as pathogenic by our laboratory (e.g. p.Tyr1183X). The variant allele was found at a frequency of 4.1e-06 in 246142 control chromosomes. c.3362delG has been reported in the literature in individuals affected with Hereditary Breast and Ovarian Cancer (e.g. Blanco_2013, Couch_2016, Janatova_2013, Thompson_2015). These data indicate that the variant is likely to be associated with disease. To our knowledge, no experimental evidence demonstrating an impact on protein function has been reported. The following publications have been ascertained in the context of this evaluation (PMID: 25452441, 23935836, 26283626, 26057125). ClinVar contains an entry for this variant (Variation ID: 126739). Based on the evidence outlined above, the variant was classified as pathogenic.

Blueprint Genetics
Classification: Pathogenic for PALB2-related disorders. Last evaluated: 2024-08-19. Review status: criteria provided, single submitter. Criteria: ACMG Guidelines, 2015. Collection method: clinical testing. Allele origin: germline. Affected: yes. Observed: 4 variant alleles. Not counted in ClinVar's aggregate classification.

Baylor Genetics
Classification: Pathogenic for Familial cancer of breast. Last evaluated: 2024-01-11. Review status: criteria provided, single submitter. Criteria: ACMG Guidelines, 2015. Collection method: clinical testing. Allele origin: unknown. Not counted in ClinVar's aggregate classification.

Quest Diagnostics Nichols Institute San Juan Capistrano
Classification: Pathogenic. Last evaluated: 2023-12-01. Review status: criteria provided, single submitter. Criteria: Quest Diagnostics criteria. Collection method: clinical testing. Allele origin: unknown. Not counted in ClinVar's aggregate classification.
Comment: The PALB2 c.3362del (p.Gly1121Valfs*3) variant alters the translational reading frame of the PALB2 mRNA and causes the premature termination of PALB2 protein synthesis. This variant has been reported in the published literature in individuals affected with breast cancer (PMIDs: 34399810 (2021), 32885271 (2021)), or prostate cancer (PMID: 32338768 (2020)). Functional evidence suggests that this variant may impact protein function(PMID: 31636395 (2020)). The frequency of this variant in the general population, 0.000013 (1/74796 chromosomes (Genome Aggregation Database)), is consistent with pathogenicity. Based on the available information, this variant is classified as pathogenic.

Myriad Genetics, Inc.
Classification: Pathogenic for Familial cancer of breast. Last evaluated: 2023-09-15. Review status: criteria provided, single submitter. Criteria: Myriad Autosomal Dominant, Autosomal Recessive and X-Linked Classification Criteria (2023). Collection method: clinical testing. Allele origin: unknown. Not counted in ClinVar's aggregate classification.
Comment: This variant is considered pathogenic. This variant creates a frameshift predicted to result in premature protein truncation.

GeneDx
Classification: Pathogenic. Last evaluated: 2023-07-27. Review status: criteria provided, single submitter. Criteria: GeneDx Variant Classification Process June 2021. Collection method: clinical testing. Allele origin: germline. Affected: yes. Not counted in ClinVar's aggregate classification.
Comment: Published functional studies demonstrate a damaging effect: significantly reduced homology directed DNA repair functionality (Wiltshire et al., 2020); Frameshift variant predicted to result in protein truncation in a gene for which loss-of-function is a known mechanism of disease; Truncating variants in this gene are considered pathogenic by a well-established clinical consortium and/or database; Not observed at significant frequency in large population cohorts (gnomAD); This variant is associated with the following publications: (PMID: 24870022, 29280214, 29431189, 29922827, 24136930, 25452441, 25099575, 24549055, 26283626, 28454591, 31447099, 32338768, 32853339, 34399810, 33804961, 23935836, 31636395)

Laboratory for Molecular Medicine, Mass General Brigham Personalized Medicine
Classification: Likely pathogenic for Familial cancer of breast. Last evaluated: 2022-03-23. Review status: criteria provided, single submitter. Criteria: ACMG Guidelines, 2015. Collection method: clinical testing. Allele origin: germline. Inheritance: Autosomal dominant inheritance. Not counted in ClinVar's aggregate classification.
Comment: The p.Gly1121ValfsX3 variant in PALB2 has been reported in at least 8 individuals with breast cancer, including 2 siblings with a family history of PALB2-associated cancers (Blanco 2013 PMID: 23935836, Janatova 2013 PMID: 24136930, Castera 2014 PMID: 24549055, Antoniou 2014 PMID: 25099575, Thompson 2015 PMID: 26283626, Couch 2015 PMID: 25452441, Lee 2018 PMID: 29431189) and has also been reported by other clinical laboratories in ClinVar (Variation ID 126739). It was identified in 0.001% (1/67996) of European chromosomes by gnomAD (v.3.1). This variant is predicted to cause a frameshift, which alters the protein’s amino acid sequence beginning at position 1121 and leads to a premature termination codon 3 amino acids downstream. This alteration occurs within the last exon and is, therefore, likely to escape nonsense mediated decay (NMD) and result in a truncated protein that is missing ~5% of the coding region, with 62 amino acids removed. However, these terminal amino acids are part of the functionally critical WD40 domain that is necessary for PALB2 function, stability, and interaction with BRCA2 (Oliver 2009 PMID: 19609323). In addition, several downstream truncating variants, have been observed in individuals with PALB2-related cancers and Fanconi anemia, supporting the functional importance of the last exon. In summary, this variant meets criteria to be classified as likely pathogenic for autosomal dominant PALB2-associated breast cancer. ACMG/AMP Criteria applied: PS4_Moderate, PM2_Supporting, PVS1_Strong.

Greenwood Genetic Center Diagnostic Laboratories, Greenwood Genetic Center
Classification: Pathogenic for Familial cancer of breast. Last evaluated: 2022-02-23. Review status: criteria provided, single submitter. Criteria: ACMG Guidelines, 2015. Collection method: clinical testing. Allele origin: germline. Not counted in ClinVar's aggregate classification.
Comment: PVS1, PS3, PM2

Institute for Clinical Genetics, University Hospital TU Dresden, University Hospital TU Dresden
Classification: Likely pathogenic. Last evaluated: 2021-11-03. Review status: criteria provided, single submitter. Criteria: ACMG Guidelines, 2015. Collection method: clinical testing. Allele origin: germline. Not counted in ClinVar's aggregate classification.

Genetic Services Laboratory, University of Chicago
Classification: Pathogenic. Last evaluated: 2020-12-08. Review status: criteria provided, single submitter. Criteria: ACMG Guidelines, 2015. Collection method: clinical testing. Allele origin: germline. Affected: yes. Not counted in ClinVar's aggregate classification.
Comment: DNA sequence analysis of the PALB2 gene demonstrated a single base pair deletion in exon 13, c.3362del. This sequence change is predicted to result in an amino acid frameshift and the creation of a premature stop codon 2 amino acids downstream of the mutation, p.Gly1121Valfs*3. Although this sequence change is located in the last exon of the PALB2 gene, another truncating variant downstream of the p.Gly1121Valfs*3 change, p.Tyr1183*, has been described in individuals with PALB2-related disorders and has been classified as pathogenic (PMID: 17200668, 17200671, 21365267, 25099575, 25452441, 26315354). The p.Gly1121Valfs*3 change is predicted to result in an abnormal transcript, which may be degraded, or may lead to the production of a truncated PALB2 protein with potentially abnormal function. This sequence change has been described in the gnomAD database in one individual with an overall population frequency of 0.0004% (dbSNP rs515726117). The p.Gly1121Valfs*3 change has been described in several individuals with breast cancer (PMIDs: 23935836, 26283626, 24136930, 24549055, 25099575, 26283626). This sequence change is located in the WD40-repeat domain of the PALB2 protein, which is known to be involved in binding with BRCA2 (PMIDs: 16793542, 19423707). These collective evidences suggest that this sequence change is pathogenic.

CHEO Genetics Diagnostic Laboratory, Children's Hospital of Eastern Ontario
Classification: Pathogenic for Breast and/or ovarian cancer. Last evaluated: 2020-03-30. Review status: criteria provided, single submitter. Criteria: ACMG Guidelines, 2015. Collection method: clinical testing. Allele origin: germline. Not counted in ClinVar's aggregate classification.

Institute of Human Genetics, University of Leipzig Medical Center
Classification: Pathogenic for Familial cancer of breast. Last evaluated: 2019-01-01. Review status: criteria provided, single submitter. Criteria: ACMG Guidelines, 2015. Collection method: clinical testing. Allele origin: unknown. Affected: yes. Not counted in ClinVar's aggregate classification.

Cancer Genetics Laboratory, Peter MacCallum Cancer Centre
Classification: Likely pathogenic for Familial cancer of breast. Last evaluated: 2015-06-01. Review status: criteria provided, single submitter. Criteria: Thompson et al. (Breast Cancer Res. 2015). Collection method: case-control. Allele origin: germline. Affected: yes and no. Observed: 2 variant alleles, 2 heterozygotes. Not counted in ClinVar's aggregate classification.

Leiden Open Variation Database
Classification: Pathogenic for Familial cancer of breast. Last evaluated: 2019-05-13. Review status: no assertion criteria provided. Collection method: curation. Allele origin: germline. Affected: yes. Not counted in ClinVar's aggregate classification.
Comment: Curators: Marc Tischkowitz, Arleen D. Auerbach. Submitter to LOVD: Marc Tischkowitz.